The following is an entry in ClinVar:

Conditions:
Breast-ovarian cancer, familial, susceptibility to, 1 (BROVCA1). Also called: BRCA1 Hereditary Breast and Ovarian Cancer; OVARIAN CANCER, SUSCEPTIBILITY TO. Identifiers: Orphanet 145, MedGen C2676676, MONDO:0011450, OMIM 604370. Disease mechanism: loss of function.

Submission:

Brotman Baty Institute, University of Washington
No classification provided (evidence only). Condition: Breast-ovarian cancer, familial 1. Review status: no classification provided. Collection method: in vitro. Allele origin: not applicable. Functional consequence: functionally_normal.
ClinVar note: "not provided" was previously submitted as the classification for the variant. However, the classification appeared to be based only on an observation of functional data so it was converted to no classification on 2025-07-30.

NM_007294.4(BRCA1):c.98A>T (p.Glu33Val)

Gene: BRCA1 (BRCA1 DNA repair associated; minus strand). Cytogenetic location: 17q21.31.
Variant type: single nucleotide variant.
Coding change: c.98A>T on transcript NM_007294.4 (MANE Select); coding-DNA position 98, A replaced by T.
Protein change: p.Glu33Val; replaces glutamic acid 33 with valine.
Molecular consequence: missense variant. On other transcripts: non-coding transcript variant (1), intron variant (1).
Genome position (GRCh38, 1-based): chr17:43,115,762, T>A on the plus strand (A>T on the coding strand, the complement: BRCA1 is on the minus strand). VCF-style: chr17-43115762-T-A. GRCh37 (hg19) VCF-style: chr17-41267779-T-A.
Other names: c.-91A>T (NM_001408479.1, NM_001408480.1, NM_001408481.1 and 52 more transcripts); c.-207A>T (NM_001408492.1, NM_001407889.1, NM_001407900.1); c.98A>T, p.Glu33Val (NM_001408494.1, NM_001408495.1, NM_007298.4 and 192 more transcripts); c.-44A>T (NM_001408497.1, NM_001408499.1, NM_001408500.1 and 47 more transcripts); c.-160A>T (NM_001408501.1, NM_001407694.1, NM_001407696.1 and 13 more transcripts); c.-206A>T (NM_001408510.1, NM_001408512.1, NM_001407960.1 and 1 more transcripts); c.-8+8255A>T (NM_007297.4); c.-164A>T (NM_001407695.1, NM_001408465.1); and 2 more; short protein forms E33V.
Identifiers: ClinVar variation 865113 (VCV000865113.3), dbSNP rs876660844, ClinGen allele CA10601956.